The following is an entry in ClinVar:

ClinVar aggregate classification (germline): Uncertain significance (1 of 4 stars; one submission).

Conditions:
Neonatal encephalomyopathy-cardiomyopathy-respiratory distress syndrome. Also called: Coenzyme Q10 deficiency, primary, 7. Identifiers: Orphanet 457185, MedGen C5568562, MONDO:0014562, OMIM 616276.

Submission:

Labcorp Genetics (formerly Invitae), Labcorp
Classification: Uncertain significance for Neonatal encephalomyopathy-cardiomyopathy-respiratory distress syndrome. Last evaluated: 2023-12-07. Review status: criteria provided, single submitter. Criteria: Invitae Variant Classification Sherloc (09022015). Collection method: clinical testing. Allele origin: germline.
Comment: This sequence change replaces leucine, which is neutral and non-polar, with glutamine, which is neutral and polar, at codon 170 of the COQ4 protein (p.Leu170Gln). This variant is not present in population databases (gnomAD no frequency). This variant has not been reported in the literature in individuals affected with COQ4-related conditions. ClinVar contains an entry for this variant (Variation ID: 2119294). Advanced modeling of protein sequence and biophysical properties (such as structural, functional, and spatial information, amino acid conservation, physicochemical variation, residue mobility, and thermodynamic stability) has been performed at Invitae for this missense variant, however the output from this modeling did not meet the statistical confidence thresholds required to predict the impact of this variant on COQ4 protein function. In summary, the available evidence is currently insufficient to determine the role of this variant in disease. Therefore, it has been classified as a Variant of Uncertain Significance.

NM_016035.5(COQ4):c.509T>A (p.Leu170Gln)

Gene: COQ4 (coenzyme Q4; plus strand). Cytogenetic location: 9q34.11.
Variant type: single nucleotide variant.
Coding change: c.509T>A on transcript NM_016035.5 (MANE Select); coding-DNA position 509, T replaced by A.
Protein change: p.Leu170Gln; replaces leucine 170 with glutamine.
Molecular consequence: missense variant. On other transcripts: intron variant (1).
Genome position (GRCh38, 1-based): chr9:128,332,259, T>A. VCF-style: chr9-128332259-T-A. GRCh37 (hg19) VCF-style: chr9-131094538-T-A.
Other names: c.*3-1215T>A (NM_001305942.2); short protein forms L170Q.
Identifiers: ClinVar variation 2119294 (VCV002119294.4), dbSNP rs1588545091, ClinGen allele CA375023058.